The following is an entry in ClinVar:

ClinVar aggregate classification (germline): Uncertain significance (1 of 4 stars; one submission).

Conditions:
Congenital muscular dystrophy due to integrin alpha-7 deficiency. Also called: MYOPATHY, CONGENITAL, DUE TO INTEGRIN ALPHA-7 DEFICIENCY; Congenital muscular dystrophy with integrin alpha-7 deficiency; Muscular dystrophy, congenital, due to ITGA7 deficiency. Identifiers: Orphanet 34520, MedGen C2750786, MONDO:0013177, OMIM 613204.

Allele frequency attached by ClinVar (database versions not stated): gnomAD exomes below 0.00001.
gnomAD v4.1: 1 of 1,614,234 alleles (0.000062%); highest among the groups gnomAD compares: Middle Eastern, 0.016%; no homozygotes.

Submission:

Baylor Genetics
Classification: Uncertain significance for Congenital muscular dystrophy due to integrin alpha-7 deficiency. Last evaluated: 2020-02-05. Review status: criteria provided, single submitter. Criteria: ACMG Guidelines, 2015. Collection method: clinical testing. Allele origin: unknown. Affected: yes.
Comment: This variant was determined to be of uncertain significance according to ACMG Guidelines, 2015 [PMID:25741868].

NM_002206.3(ITGA7):c.605C>T (p.Ala202Val)

Gene: ITGA7 (integrin subunit alpha 7; minus strand). Cytogenetic location: 12q13.2.
Variant type: single nucleotide variant.
Coding change: c.605C>T on transcript NM_002206.3 (MANE Select); coding-DNA position 605, C replaced by T.
Protein change: p.Ala202Val; replaces alanine 202 with valine.
Molecular consequence: missense variant. On other transcripts: 5 prime UTR variant (1).
Genome position (GRCh38, 1-based): chr12:55,700,964, G>A on the plus strand (C>T on the coding strand, the complement: ITGA7 is on the minus strand). VCF-style: chr12-55700964-G-A. GRCh37 (hg19) VCF-style: chr12-56094748-G-A.
Other names: c.605C>T, p.Ala202Val (NM_001144996.2, NM_001374465.1, NM_001410977.1 and 5 more transcripts); c.314C>T, p.Ala105Val (NM_001144997.2); c.266C>T, p.Ala89Val (NM_001367993.1, NM_001414035.1); c.-568C>T (NM_001367994.1); c.422C>T, p.Ala141Val (NM_001414033.1); short protein forms A202V, A105V, A89V, A141V.
Identifiers: ClinVar variation 1028003 (VCV001028003.1), dbSNP rs1873873897, ClinGen allele CA385192054.